The following is an entry in ClinVar:

NM_001287.6(CLCN7):c.1884-3C>T

Gene: CLCN7 (Cl-/H+ antiporter 7; minus strand). Cytogenetic location: 16p13.3.
Variant type: single nucleotide variant.
Coding change: c.1884-3C>T on transcript NM_001287.6 (MANE Select); 3 bases into the intron before coding-DNA position 1884, C replaced by T.
Molecular consequence: intron variant.
Genome position (GRCh38, 1-based): chr16:1,448,487, G>A on the plus strand (C>T on the coding strand, the complement: CLCN7 is on the minus strand). VCF-style: chr16-1448487-G-A. GRCh37 (hg19) VCF-style: chr16-1498488-G-A.
Other names: c.1812-3C>T (NM_001114331.3).
Identifiers: ClinVar variation 4773012 (VCV004773012.1).

ClinVar aggregate classification (germline): Uncertain significance (1 of 4 stars; one submission).

gnomAD v4.1: 2 of 1,608,600 alleles (0.00012%); highest among the groups gnomAD compares: South Asian, 0.0022%; no homozygotes.

Submission:

Labcorp Genetics (formerly Invitae), Labcorp
Classification: Uncertain significance. Last evaluated: 2025-11-22. Review status: criteria provided, single submitter. Criteria: Invitae Variant Classification Sherloc (09022015). Collection method: clinical testing. Allele origin: germline.
Comment: This sequence change falls in intron 20 of the CLCN7 gene. It does not directly change the encoded amino acid sequence of the CLCN7 protein. It affects a nucleotide within the consensus splice site. This variant is not present in population databases (gnomAD no frequency). This variant has not been reported in the literature in individuals affected with CLCN7-related conditions. Variants that disrupt the consensus splice site are a relatively common cause of aberrant splicing (PMID: 17576681, 9536098). Algorithms developed to predict the effect of sequence changes on RNA splicing suggest that this variant may disrupt the consensus splice site. In summary, the available evidence is currently insufficient to determine the role of this variant in disease. Therefore, it has been classified as a Variant of Uncertain Significance.

Literature cited by the submitters: PubMed 17576681; PubMed 9536098.